The following is an entry in ClinVar:

NM_001127222.2(CACNA1A):c.2956G>T (p.Ala986Ser)

Gene: CACNA1A (calcium voltage-gated channel subunit alpha1 A; minus strand). Cytogenetic location: 19p13.13.
Variant type: single nucleotide variant.
Coding change: c.2956G>T on transcript NM_001127222.2 (MANE Select); coding-DNA position 2956, G replaced by T.
Protein change: p.Ala986Ser; replaces alanine 986 with serine.
Molecular consequence: missense variant.
Genome position (GRCh38, 1-based): chr19:13,298,677, C>A on the plus strand (G>T on the coding strand, the complement: CACNA1A is on the minus strand). VCF-style: chr19-13298677-C-A. GRCh37 (hg19) VCF-style: chr19-13409491-C-A.
Other names: c.2968G>T, p.Ala990Ser (NM_000068.4, NM_023035.3); c.2959G>T, p.Ala987Ser (NM_001127221.2, NM_001174080.2); short protein forms A987S, A986S, A990S.
Identifiers: ClinVar variation 2053345 (VCV002053345.4), dbSNP rs376228771, ClinGen allele CA305506205.

ClinVar aggregate classification (germline): Uncertain significance (1 of 4 stars; one submission).

Conditions:
Developmental and epileptic encephalopathy, 42 (DEE42A). Also called: DEVELOPMENTAL AND EPILEPTIC ENCEPHALOPATHY 42A; EPILEPTIC ENCEPHALOPATHY, EARLY INFANTILE, 42A; Epileptic encephalopathy, early infantile, 42. Identifiers: MedGen C4310716, MONDO:0014917, OMIM 617106.
Episodic ataxia type 2 (EA2). Also called: ACETAZOLAMIDE-RESPONSIVE HEREDITARY PAROXYSMAL CEREBELLAR ATAXIA; ATAXIA, EPISODIC, WITH NYSTAGMUS; ATAXIA, FAMILIAL PAROXYSMAL; CEREBELLAR ATAXIA, PAROXYSMAL, ACETAZOLAMIDE-RESPONSIVE; CEREBELLOPATHY, HEREDITARY PAROXYSMAL; EPISODIC ATAXIA, NYSTAGMUS-ASSOCIATED. Identifiers: Orphanet 97, MedGen C1720416, MONDO:0007163, OMIM 108500.

Allele frequency attached by ClinVar (database versions not stated): TOPMed below 0.00001.
gnomAD v4.1: 57 of 1,476,280 alleles (0.0039%); highest among the groups gnomAD compares: Non-Finnish European, 0.0047%; no homozygotes.

Submission:

Labcorp Genetics (formerly Invitae), Labcorp
Classification: Uncertain significance for Developmental and epileptic encephalopathy, 42; Episodic ataxia type 2. Last evaluated: 2025-09-27. Review status: criteria provided, single submitter. Criteria: Invitae Variant Classification Sherloc (09022015). Collection method: clinical testing. Allele origin: germline.
Comment: This sequence change replaces alanine, which is neutral and non-polar, with serine, which is neutral and polar, at codon 987 of the CACNA1A protein (p.Ala987Ser). This variant is not present in population databases (gnomAD no frequency). This missense change has been observed in individual(s) with CADASIL and related conditions (PMID: 31915071). ClinVar contains an entry for this variant (Variation ID: 2053345). Invitae Evidence Modeling of protein sequence and biophysical properties (such as structural, functional, and spatial information, amino acid conservation, physicochemical variation, residue mobility, and thermodynamic stability) indicates that this missense variant is not expected to disrupt CACNA1A protein function with a negative predictive value of 95%. In summary, the available evidence is currently insufficient to determine the role of this variant in disease. Therefore, it has been classified as a Variant of Uncertain Significance.

Literature cited by the submitters: PubMed 31915071.